The following is an entry in ClinVar:

NM_000038.6(APC):c.5432C>T (p.Ser1811Leu)

Gene: APC (APC regulator of Wnt signaling pathway; plus strand). Cytogenetic location: 5q22.2.
Variant type: single nucleotide variant.
Coding change: c.5432C>T on transcript NM_000038.6 (MANE Select); coding-DNA position 5432, C replaced by T.
Protein change: p.Ser1811Leu; replaces serine 1811 with leucine.
Molecular consequence: missense variant.
Genome position (GRCh38, 1-based): chr5:112,841,026, C>T. VCF-style: chr5-112841026-C-T. GRCh37 (hg19) VCF-style: chr5-112176723-C-T.
Other names: c.5432C>T, p.Ser1811Leu (NM_001127510.3, NM_001354895.2); c.5378C>T, p.Ser1793Leu (NM_001127511.3); c.5486C>T, p.Ser1829Leu (NM_001354896.2); c.5462C>T, p.Ser1821Leu (NM_001354897.2); c.5357C>T, p.Ser1786Leu (NM_001354898.2); c.5348C>T, p.Ser1783Leu (NM_001354899.2); c.5309C>T, p.Ser1770Leu (NM_001354900.2); c.5255C>T, p.Ser1752Leu (NM_001354901.2); and 5 more; short protein forms S1811L, S1793L, S1528L, S1685L, S1752L, S1829L, S1651L, S1720L.
Identifiers: ClinVar variation 411473 (VCV000411473.17), dbSNP rs1060503325, ClinGen allele CA16033208.

ClinVar aggregate classification (germline): Uncertain significance. Review status: criteria provided, multiple submitters, no conflicts (2 of 4 stars). 5 submissions from 5 submitters: Uncertain significance (4). 1 of the submissions does not count toward it. Last evaluated 2025-11-10.

Conditions:
Hereditary cancer-predisposing syndrome. Also called: Tumor predisposition; Hereditary Cancer Syndrome; Hereditary neoplastic syndrome; Neoplastic Syndromes, Hereditary. Identifiers: Orphanet 140162, MedGen C0027672, MeSH D009386, MONDO:0015356.
Familial adenomatous polyposis 1 (FAP1). Also called: FAMILIAL ADENOMATOUS POLYPOSIS 1, ATTENUATED; POLYPOSIS, ADENOMATOUS INTESTINAL. Identifiers: MedGen C2713442, MONDO:0021056, OMIM 175100. Disease mechanism: loss of function.

Allele frequency attached by ClinVar (database versions not stated): gnomAD exomes below 0.00001; TOPMed below 0.00001.
gnomAD v4.1: 4 of 1,610,876 alleles (0.00025%); highest among the groups gnomAD compares: East Asian, 0.0089%; no homozygotes.

Submissions (5):

Labcorp Genetics (formerly Invitae), Labcorp
Classification: Uncertain significance for Familial adenomatous polyposis 1. Last evaluated: 2025-11-10. Review status: criteria provided, single submitter. Criteria: Invitae Variant Classification Sherloc (09022015). Collection method: clinical testing. Allele origin: germline.
Comment: This sequence change replaces serine, which is neutral and polar, with leucine, which is neutral and non-polar, at codon 1811 of the APC protein (p.Ser1811Leu). This variant is present in population databases (no rsID available, gnomAD 0.006%). This missense change has been observed in individual(s) with familial adenomatous polyposis (PMID: 26163615). ClinVar contains an entry for this variant (Variation ID: 411473). Invitae Evidence Modeling of protein sequence and biophysical properties (such as structural, functional, and spatial information, amino acid conservation, physicochemical variation, residue mobility, and thermodynamic stability) indicates that this missense variant is not expected to disrupt APC protein function with a negative predictive value of 95%. In summary, the available evidence is currently insufficient to determine the role of this variant in disease. Therefore, it has been classified as a Variant of Uncertain Significance.

Color Diagnostics, LLC DBA Color Health
Classification: Uncertain significance for Hereditary cancer-predisposing syndrome. Last evaluated: 2025-06-17. Review status: criteria provided, single submitter. Criteria: ACMG Guidelines, 2015. Collection method: clinical testing. Allele origin: germline.
Comment: This missense variant replaces serine with leucine at codon 1811 of the APC protein. Computational prediction suggests that this variant may not impact protein structure and function. To our knowledge, functional studies have not been reported for this variant. This variant has been reported in several individuals affected with familial adenomatous polyposis (PMID: 26163615, 29901124) and four control individuals in a pancreatic cancer case-control study (PMID: 32980694). This variant has been identified in 1/249694 chromosomes in the general population by the Genome Aggregation Database (gnomAD). The available evidence is insufficient to determine the role of this variant in disease conclusively. Therefore, this variant is classified as a Variant of Uncertain Significance.

Ambry Genetics
Classification: Uncertain significance for Hereditary cancer-predisposing syndrome. Last evaluated: 2024-10-24. Review status: criteria provided, single submitter. Criteria: Ambry Variant Classification Scheme 2023. Collection method: clinical testing. Allele origin: germline.
Comment: The p.S1811L variant (also known as c.5432C>T), located in coding exon 15 of the APC gene, results from a C to T substitution at nucleotide position 5432. The serine at codon 1811 is replaced by leucine, an amino acid with dissimilar properties. This alteration was identified in a cohort of Chinese familial adenomatous polyposis (FAP) families (Chen QW et al. Asian Pac. J. Cancer Prev. 2015;16:4915-20). This amino acid position is not well conserved in available vertebrate species. In addition, in silico predictors for this gene do not accurately predict pathogenicity. Missense alterations in APC are not a common cause of disease (Spier I et al. Genet Med. 2024 Feb;26(2):100992). Since supporting evidence is limited at this time, the clinical significance of this alteration remains unclear.

Myriad Genetics, Inc.
Classification: Uncertain significance for Familial adenomatous polyposis 1. Last evaluated: 2023-02-14. Review status: criteria provided, single submitter. Criteria: Myriad Autosomal Dominant, Autosomal Recessive and X-Linked Classification Criteria (2023). Collection method: clinical testing. Allele origin: unknown.
Comment: This variant is classified as a variant of uncertain significance as there is insufficient evidence to determine its impact on protein function and/or cancer risk.

Counsyl
Classification: Uncertain significance for Familial adenomatous polyposis 1. Last evaluated: 2018-06-07. Review status: no assertion criteria provided. Collection method: clinical testing. Allele origin: unknown. Not counted in ClinVar's aggregate classification.

Literature cited by the submitters: PubMed 26163615 (cited by 4 submitters); PubMed 29901124 (cited by Color Diagnostics, LLC DBA Color Health); PubMed 32980694 (cited by Color Diagnostics, LLC DBA Color Health).